The following is an entry in ClinVar:

ClinVar aggregate classification (germline): Uncertain significance (1 of 4 stars; one submission).

Allele frequency attached by ClinVar (database versions not stated): gnomAD exomes below 0.00001.
gnomAD v4.1: 1 of 1,614,050 alleles (0.000062%); highest among the groups gnomAD compares: South Asian, 0.0011%; no homozygotes.

Submission:

GeneDx
Classification: Uncertain significance. Last evaluated: 2021-03-08. Review status: criteria provided, single submitter. Criteria: GeneDx Variant Classification Process June 2021. Collection method: clinical testing. Allele origin: germline. Affected: yes.
Comment: Not observed in large population cohorts (Lek et al., 2016); In silico analysis supports that this missense variant has a deleterious effect on protein structure/function; Has not been previously published as pathogenic or benign to our knowledge

NM_004958.4(MTOR):c.2468T>C (p.Ile823Thr)

Gene: MTOR (mechanistic target of rapamycin kinase; minus strand). Cytogenetic location: 1p36.22.
Variant type: single nucleotide variant.
Coding change: c.2468T>C on transcript NM_004958.4 (MANE Select); coding-DNA position 2468, T replaced by C.
Protein change: p.Ile823Thr; replaces isoleucine 823 with threonine.
Molecular consequence: missense variant.
Genome position (GRCh38, 1-based): chr1:11,232,482, A>G on the plus strand (T>C on the coding strand, the complement: MTOR is on the minus strand). VCF-style: chr1-11232482-A-G. GRCh37 (hg19) VCF-style: chr1-11292539-A-G.
Other names: c.2468T>C, p.Ile823Thr (NM_001386500.1); c.1220T>C, p.Ile407Thr (NM_001386501.1); short protein forms I407T, I823T.
Identifiers: ClinVar variation 1314177 (VCV001314177.2), dbSNP rs2100873480, ClinGen allele CA338383444.